The following is an entry in ClinVar:

NM_000784.4(CYP27A1):c.871G>A (p.Glu291Lys)

Gene: CYP27A1 (cytochrome P450 family 27 subfamily A member 1; plus strand). Cytogenetic location: 2q35.
Variant type: single nucleotide variant.
Coding change: c.871G>A on transcript NM_000784.4 (MANE Select); coding-DNA position 871, G replaced by A.
Protein change: p.Glu291Lys; replaces glutamic acid 291 with lysine.
Molecular consequence: missense variant.
Genome position (GRCh38, 1-based): chr2:218,812,950, G>A. VCF-style: chr2-218812950-G-A. GRCh37 (hg19) VCF-style: chr2-219677673-G-A.
Other names: short protein forms E291K.
Identifiers: ClinVar variation 334372 (VCV000334372.14), dbSNP rs190012697, ClinGen allele CA2112751.
Genomic context (GRCh38, chr2:218,812,950, plus strand): 5'-CTTTGTCCTTTCCTCTTCTCTGTTGCTTTCACAGGGAAGAAGCTGATTGATGAGAAGCTC[G>A]AAGATATGGAGGCCCAACTGCAGGCAGCAGGGCCAGATGGCATCCAGGTGTCTGGCTACC-3'
Protein context (NP_000775.1, residues 281-301): FGKKLIDEKL[Glu291Lys]DMEAQLQAAG

ClinVar aggregate classification (germline): Conflicting classifications of pathogenicity. Review status: criteria provided, conflicting classifications (1 of 4 stars). 7 submissions from 7 submitters: Uncertain significance (4); Likely benign (1). 2 of the submissions do not count toward it. Last evaluated 2024-08-26.

Conditions:
Cardiovascular phenotype. Identifiers: MedGen CN230736.
Cholestanol storage disease (CTX). Also called: CEREBRAL CHOLESTERINOSIS; Cerebrotendinous Xanthomatosis; CTX: Cerebrotendinous xanthomatosis. Identifiers: Orphanet 909, MedGen C0238052, MONDO:0008948, OMIM 213700.

Allele frequency attached by ClinVar (database versions not stated): gnomAD 0.00003 and 0.00005; TOPMed 0.00004; ExAC 0.00006; ESP Exome Variant Server 0.00008; 1000 Genomes Project 30x 0.00047; 1000 Genomes Project 0.00060.
gnomAD v4.1: 103 of 1,614,202 alleles (0.0064%); highest among the groups gnomAD compares: Middle Eastern, 0.033%; no homozygotes.

Submissions (7):

GeneDx
Classification: Uncertain significance. Last evaluated: 2024-08-26. Review status: criteria provided, single submitter. Criteria: GeneDx Variant Classification Process June 2021. Collection method: clinical testing. Allele origin: germline. Affected: yes.
Comment: In silico analysis indicates that this missense variant does not alter protein structure/function; Has not been previously published as pathogenic or benign to our knowledge

Athena Diagnostics
Classification: Uncertain significance. Last evaluated: 2022-12-23. Review status: criteria provided, single submitter. Criteria: Athena Diagnostics Criteria. Collection method: clinical testing. Allele origin: unknown.
Comment: Available data are insufficient to determine the clinical significance of the variant at this time. The frequency of this variant in the general population is uninformative in assessment of its pathogenicity. Computational tools predict that this variant is not damaging.

Labcorp Genetics (formerly Invitae), Labcorp
Classification: Uncertain significance for Cholestanol storage disease. Last evaluated: 2022-09-07. Review status: criteria provided, single submitter. Criteria: Invitae Variant Classification Sherloc (09022015). Collection method: clinical testing. Allele origin: germline.
Comment: This sequence change replaces glutamic acid, which is acidic and polar, with lysine, which is basic and polar, at codon 291 of the CYP27A1 protein (p.Glu291Lys). This variant is present in population databases (rs190012697, gnomAD 0.009%). This variant has not been reported in the literature in individuals affected with CYP27A1-related conditions. ClinVar contains an entry for this variant (Variation ID: 334372). Advanced modeling of protein sequence and biophysical properties (such as structural, functional, and spatial information, amino acid conservation, physicochemical variation, residue mobility, and thermodynamic stability) performed at Invitae indicates that this missense variant is not expected to disrupt CYP27A1 protein function. In summary, the available evidence is currently insufficient to determine the role of this variant in disease. Therefore, it has been classified as a Variant of Uncertain Significance.

Ambry Genetics
Classification: Likely benign for Cardiovascular phenotype. Last evaluated: 2022-04-13. Review status: criteria provided, single submitter. Criteria: Ambry Variant Classification Scheme 2023. Collection method: clinical testing. Allele origin: germline.

Illumina Laboratory Services, Illumina
Classification: Uncertain significance for Cholestanol storage disease. Last evaluated: 2018-01-13. Review status: criteria provided, single submitter. Criteria: ICSL Variant Classification Criteria 13 December 2019. Collection method: clinical testing. Allele origin: germline.

Clinical Genetics, Academic Medical Center
Classification: Likely benign. Review status: no assertion criteria provided. Collection method: clinical testing. Allele origin: germline. Affected: yes. Study: VKGL Data-share Consensus. Not counted in ClinVar's aggregate classification.

Joint Genome Diagnostic Labs from Nijmegen and Maastricht, Radboudumc and MUMC+
Classification: Likely benign. Review status: no assertion criteria provided. Collection method: clinical testing. Allele origin: germline. Affected: yes. Study: VKGL Data-share Consensus. Not counted in ClinVar's aggregate classification.